The following is an entry in ClinVar:

ClinVar aggregate classification (germline): Uncertain significance (1 of 4 stars; one submission).

Conditions:
Chédiak-Higashi syndrome (CHS). Also called: Chediak-Higashi Syndrome. Identifiers: Orphanet 167, MedGen C0007965, MONDO:0008963, OMIM 214500.

Submission:

Labcorp Genetics (formerly Invitae), Labcorp
Classification: Uncertain significance for Chédiak-Higashi syndrome. Last evaluated: 2022-04-04. Review status: criteria provided, single submitter. Criteria: Invitae Variant Classification Sherloc (09022015). Collection method: clinical testing. Allele origin: germline.
Comment: In summary, the available evidence is currently insufficient to determine the role of this variant in disease. Therefore, it has been classified as a Variant of Uncertain Significance. Variants that disrupt the consensus splice site are a relatively common cause of aberrant splicing (PMID: 17576681, 9536098). Algorithms developed to predict the effect of sequence changes on RNA splicing suggest that this variant may disrupt the consensus splice site. This variant has not been reported in the literature in individuals affected with LYST-related conditions. This variant is not present in population databases (gnomAD no frequency). This sequence change falls in intron 25 of the LYST gene. It does not directly change the encoded amino acid sequence of the LYST protein. It affects a nucleotide within the consensus splice site.

Literature cited by the submitters: PubMed 17576681; PubMed 9536098.

NM_000081.4(LYST):c.7230-3T>G

Gene: LYST (lysosomal trafficking regulator; minus strand). Cytogenetic location: 1q42.3.
Variant type: single nucleotide variant.
Coding change: c.7230-3T>G on transcript NM_000081.4 (MANE Select); 3 bases into the intron before coding-DNA position 7230, T replaced by G.
Molecular consequence: intron variant.
Genome position (GRCh38, 1-based): chr1:235,753,277, A>C on the plus strand (T>G on the coding strand, the complement: LYST is on the minus strand). VCF-style: chr1-235753277-A-C. GRCh37 (hg19) VCF-style: chr1-235916577-A-C.
Other names: c.7230-3T>G (NM_001301365.1).
Identifiers: ClinVar variation 2121516 (VCV002121516.4), dbSNP rs1211615385, ClinGen allele CA2580062343.
Genomic context (GRCh38, chr1:235,753,277, plus strand): 5'-AGGAATGACAGACCACTTCTGAAACAATCCCATGTTTCTCACATCTTCCAGATCAAATCT[A>C]TAATAAATAATACAGTTAAGAGCACATTAGAAACAATCACAAAATAAGAAAATATGATAG-3'